The following is an entry in ClinVar:

NM_001323289.2(CDKL5):c.1415_1416del (p.Thr472fs)

Gene: CDKL5 (cyclin dependent kinase like 5; plus strand). Cytogenetic location: Xp22.13.
Variant type: Microsatellite.
Coding change: c.1415_1416del on transcript NM_001323289.2 (MANE Select); coding-DNA positions 1415 to 1416, 2 bases deleted (CA; older notation c.1415_1416delCA).
Protein change: p.Thr472fs; shifts the reading frame from threonine 472.
Molecular consequence: frameshift variant.
Genome position (GRCh38, 1-based): chrX:18,604,339-18,604,340, CA deleted; deleting any 2 consecutive bases within chrX:18,604,336-18,604,340 gives the same sequence; the c. name uses the placement nearest the transcript's 3' end. VCF-style (leftmost placement, unchanged base first): chrX-18604335-GAC-G. GRCh37 (hg19) VCF-style: chrX-18622455-GAC-G.
Other names: p.Thr472AsnfsTer6; c.1415_1416del, p.Thr472fs (NM_003159.3, NM_001037343.2); short protein forms T472fs.
Identifiers: ClinVar variation 3255612 (VCV003255612.2).

ClinVar aggregate classification (germline): Pathogenic (1 of 4 stars; one submission).

Conditions:
Developmental and epileptic encephalopathy, 2 (DEE2). Also called: INFANTILE SPASM SYNDROME, X-LINKED 2; CDKL5 deficiency disorder. Identifiers: Orphanet 1934, Orphanet 3451, Orphanet 505652, MedGen C4750718, MONDO:0010396, OMIM 300672.

Submission:

Breakthrough Genomics
Classification: Pathogenic for Developmental and epileptic encephalopathy, 2. Last evaluated: 2021-05-30. Review status: criteria provided, single submitter. Criteria: ACMG Guidelines, 2015. Collection method: clinical testing. Allele origin: germline. Affected: yes.
Comment: This variant is predicted to cause a frameshift and consequent premature termination of the protein (p.Thr472AsnfsTer6) and the resultant protein will likely to lack the C-terminus domain of the protein [PMID: 31450582]; this will likely result in loss-of-function. Due to the introduction of a premature stop codon, this aberrant transcript will likely be targeted by the nonsense-mediated mRNA decay (NMD) mechanism [PMID: 15040442]. The variant seems to be a novel variant, as it has not been previously reported in population databases or in the literature. However, several other truncating variants lying downstream of the identified variant, have been previously reported as ‘pathogenic’ in the ClinVar database context of early infantile epileptic encephalopathy 2 and epileptic encephalopathy.